The following continues an entry in ClinVar:

NM_007294.4(BRCA1):c.5411T>A (p.Val1804Asp)

Gene: BRCA1. ClinVar aggregate classification (germline): Benign. Benign (1).

Submissions 20 to 21 of 21:

Brotman Baty Institute, University of Washington
No classification provided (evidence only). Condition: Breast-ovarian cancer, familial 1. Review status: no classification provided. Collection method: in vitro. Allele origin: not applicable. Functional consequence: functionally_normal. Not counted in ClinVar's aggregate classification.
ClinVar note: "not provided" was previously submitted as the classification for the variant. However, the classification appeared to be based only on an observation of functional data so it was converted to no classification on 2025-07-30.

Department of Pathology and Laboratory Medicine, Sinai Health System
Classification: Likely benign for Malignant tumor of breast. Review status: no assertion criteria provided. Collection method: clinical testing. Allele origin: unknown. Affected: yes. Study: The Canadian Open Genetics Repository (COGR). Not counted in ClinVar's aggregate classification.
Comment: The BRCA1 p.Val1804Asp variant was identified in 2 of 1268 proband chromosomes (frequency: 0.002) from individuals with breast or ovarian cancer (Diez 2003), and was also identified in 2 of 2108 control chromosomes (frequency 0.001) from another study (Osorio 2007). This variant was reported in dbSNP (rs80356920) â€šÃ„Ãºwith untested alleleâ€šÃ„Ã¹, in LOVD, and in BIC 14X with unknown clinical importance. The p.Val1804Asp variant was also identified in UMD 6X as a neutral variant, where it was reported to have co-occurred with two different known BRCA1 pathogenic mutations (BRCA1 c.5266dup (p.Gln1756ProfsX74); BRCA1 c.2269delG (p.Val757PhefsX8)), increasing the likelihood that it is benign. The results of functional studies in the literature are somewhat conflicting, though most lean toward neutrality. Ostrow (2004) determined that the variant reduced transcriptional activity in a yeast-based assay, suggesting it may be deleterious; Carvalho (2007) found transcription activity comparable to wild type in yeast but reduced in mammalian cells, suggesting that it may represent a moderate-risk variant; while Lee (2010) found no functional impact of the variant on transcription. Two studies determined that the variant had no impact on protease sensitivity, and no destabilizing effect on the BRCT domain), suggesting that it is neutral (Lee 2010 20516115, Williams 2003 14534301. In addition, histopathology results provide evidence for neutrality, with loss of the variant allele in tumour tissue (Spearman 2008 18824701). Furthermore, the p.Val1804 residue is poorly conserved in mammals and lower organisms; computational analyses (PolyPhen2, SIFT, AlignGVGD) do not suggest a high likelihood of impact to the protein; and in silico structural or probability-based models suggest that this is a neutral variant (Capanu 2011, Easton 2007, Lindor 2012, Mirkovic 2004). In summary, based on the above information, the clinical significance of this variant cannot be determined with certainty at this time although we would lean towards a more benign role for this variant. This variant is classified as predicted benign.

Literature cited by the submitters: PubMed 21990134 (cited by Evidence-based Network for the Interpretation of Germline Mutant Alleles (ENIGMA) and Quest Diagnostics Nichols Institute San Juan Capistrano); PubMed 27802165 (cited by Quest Diagnostics Nichols Institute San Juan Capistrano); PubMed 27272900 (cited by Quest Diagnostics Nichols Institute San Juan Capistrano); PubMed 18951461 (cited by Quest Diagnostics Nichols Institute San Juan Capistrano); PubMed 33471991 (cited by Quest Diagnostics Nichols Institute San Juan Capistrano); PubMed 20516115 (cited by Quest Diagnostics Nichols Institute San Juan Capistrano); PubMed 24728327 (cited by Quest Diagnostics Nichols Institute San Juan Capistrano and ITMI); PubMed 28781887 (cited by Quest Diagnostics Nichols Institute San Juan Capistrano); PubMed 26764160 (cited by Quest Diagnostics Nichols Institute San Juan Capistrano); PubMed 30209399 (cited by Quest Diagnostics Nichols Institute San Juan Capistrano and Genetics Program, Instituto Nacional de Cancer); PubMed 30765603 (cited by Quest Diagnostics Nichols Institute San Juan Capistrano); PubMed 33087888 (cited by Quest Diagnostics Nichols Institute San Juan Capistrano); PubMed 17924331 (cited by Quest Diagnostics Nichols Institute San Juan Capistrano); PubMed 26332594 (cited by Quest Diagnostics Nichols Institute San Juan Capistrano); PubMed 22505045 (cited by Quest Diagnostics Nichols Institute San Juan Capistrano); PubMed 23867111 (cited by Quest Diagnostics Nichols Institute San Juan Capistrano and Genetics Program, Instituto Nacional de Cancer); PubMed 17308087 (cited by Quest Diagnostics Nichols Institute San Juan Capistrano); PubMed 36329109 (cited by Genetics Program, Instituto Nacional de Cancer).